The following is an entry in ClinVar:

ClinVar aggregate classification (germline): Uncertain significance. Review status: criteria provided, multiple submitters, no conflicts (2 of 4 stars). 2 submissions from 2 submitters: Uncertain significance (2). Last evaluated 2020-02-18.

Conditions:
Neuropathy, hereditary motor and sensory, type 6A (HMSN6A). Also called: NEUROPATHY, HEREDITARY MOTOR AND SENSORY, TYPE VIA, WITH OPTIC ATROPHY; NEUROPATHY, HEREDITARY MOTOR AND SENSORY, TYPE VIA; HMSN VIA; CHARCOT-MARIE-TOOTH DISEASE, TYPE 6A. Identifiers: MedGen CN305336, MONDO:0011002, OMIM 601152.

Submissions (2):

Athena Diagnostics
Classification: Uncertain significance. Last evaluated: 2020-02-18. Review status: criteria provided, single submitter. Criteria: Athena Diagnostics Criteria. Collection method: clinical testing. Allele origin: unknown.

Department Of Genetics, Lifeline Super Speciality Hospital, Adoor.
Classification: Uncertain significance for Neuropathy, hereditary motor and sensory, type 6A. Last evaluated: 2017-09-21. Review status: criteria provided, single submitter. Criteria: ACMG Guidelines, 2015. Collection method: clinical testing. Allele origin: somatic. Inheritance: Sporadic. Affected: yes.
Comment: A heterozygous three base pair deletion in exon 11 of the MFN2 gene (chr1:12062143_12062145delGGC) that results in an in-frame deletion of amino acid Alanine at codon 383 (p.Ala383del;ENST00000235329) was detected.

NM_014874.4(MFN2):c.1143GGC[1] (p.Ala383del)

Gene: MFN2 (mitofusin 2; plus strand). Cytogenetic location: 1p36.22.
Variant type: Microsatellite.
Coding change: c.1143GGC[1] on transcript NM_014874.4 (MANE Select); one copy of the 3-base unit GGC starting at c.1143; the reference has two copies in a row; one copy, 3 bases deleted; also written c.1146_1148del.
Protein change: p.Ala383del; deletes alanine 383.
Molecular consequence: inframe deletion.
Genome position (GRCh38, 1-based): chr1:12,002,089-12,002,091, GGC deleted; deleting any 3 consecutive bases within chr1:12,002,086-12,002,091 gives the same sequence; the position shown is the placement nearest the transcript's 3' end. VCF-style (leftmost placement, unchanged base first): chr1-12002085-TGGC-T. GRCh37 (hg19) VCF-style: chr1-12062142-TGGC-T.
Other names: c.1143GGC[1], p.Ala383del (NM_001127660.2); c.1146_1148del (NM_014874.3); short protein forms A383del.
Identifiers: ClinVar variation 446368 (VCV000446368.5), dbSNP rs1553144065, ClinGen allele CA658656879.